The following is an entry in ClinVar:

ClinVar aggregate classification (germline): Conflicting classifications of pathogenicity. Review status: criteria provided, conflicting classifications (1 of 4 stars). 3 submissions from 3 submitters: Uncertain significance (2); Likely benign (1). Last evaluated 2025-09-09.

Conditions:
Aortic aneurysm, familial thoracic 7 (AAT7). Also called: AORTIC DISSECTION, FAMILIAL, WITH OR WITHOUT AORTIC ANEURYSM. Identifiers: MedGen C3151077, MONDO:0013418, OMIM 613780.
Familial thoracic aortic aneurysm and aortic dissection (TAAD). Also called: Thoracic aortic aneurysms and dissections. Identifiers: Orphanet 91387, MedGen C4707243, MONDO:0019625.

Allele frequency attached by ClinVar (database versions not stated): gnomAD exomes below 0.00001; ExAC 0.00001; gnomAD 0.00001; TOPMed 0.00001.
gnomAD v4.1: 3 of 1,607,798 alleles (0.00019%); highest among the groups gnomAD compares: Non-Finnish European, 0.00026%; no homozygotes.

Submissions (3):

Ambry Genetics
Classification: Likely benign for Familial thoracic aortic aneurysm and aortic dissection. Last evaluated: 2025-09-09. Review status: criteria provided, single submitter. Criteria: Ambry Variant Classification Scheme 2023. Collection method: clinical testing. Allele origin: germline.

GeneDx
Classification: Uncertain significance. Last evaluated: 2023-05-22. Review status: criteria provided, single submitter. Criteria: GeneDx Variant Classification Process June 2021. Collection method: clinical testing. Allele origin: germline. Affected: yes.
Comment: Not observed at significant frequency in large population cohorts (gnomAD); In silico analysis supports that this missense variant does not alter protein structure/function; Has not been previously published as pathogenic or benign to our knowledge

Labcorp Genetics (formerly Invitae), Labcorp
Classification: Uncertain significance for Aortic aneurysm, familial thoracic 7. Last evaluated: 2020-08-07. Review status: criteria provided, single submitter. Criteria: Invitae Variant Classification Sherloc (09022015). Collection method: clinical testing. Allele origin: germline.
Comment: In summary, the available evidence is currently insufficient to determine the role of this variant in disease. Therefore, it has been classified as a Variant of Uncertain Significance. Advanced modeling of protein sequence and biophysical properties (such as structural, functional, and spatial information, amino acid conservation, physicochemical variation, residue mobility, and thermodynamic stability) performed at Invitae indicates that this missense variant is not expected to disrupt MYLK protein function. This variant has not been reported in the literature in individuals with MYLK-related conditions. This variant is present in population databases (rs764348039, ExAC 0.002%). This sequence change replaces serine with isoleucine at codon 999 of the MYLK protein (p.Ser999Ile). The serine residue is moderately conserved and there is a large physicochemical difference between serine and isoleucine.

NM_053025.4(MYLK):c.2996G>T (p.Ser999Ile)

Gene: MYLK (myosin light chain kinase; minus strand). Cytogenetic location: 3q21.1.
Variant type: single nucleotide variant.
Coding change: c.2996G>T on transcript NM_053025.4 (MANE Select); coding-DNA position 2996, G replaced by T.
Protein change: p.Ser999Ile; replaces serine 999 with isoleucine.
Molecular consequence: missense variant.
Genome position (GRCh38, 1-based): chr3:123,700,472, C>A on the plus strand (G>T on the coding strand, the complement: MYLK is on the minus strand). VCF-style: chr3-123700472-C-A. GRCh37 (hg19) VCF-style: chr3-123419319-C-A.
Other names: c.2468G>T, p.Ser823Ile (NM_001321309.2); c.2789G>T, p.Ser930Ile (NM_053026.4, NM_053028.4); c.2996G>T, p.Ser999Ile (NM_053027.4); short protein forms S823I, S930I, S999I.
Identifiers: ClinVar variation 1017645 (VCV001017645.13), dbSNP rs764348039, ClinGen allele CA069236.
Genomic context (GRCh38, chr3:123,700,472, plus strand): 5'-GGCTGTGCATTGCTCAGGGGCTTGGAACTCTCCACTGCCTTGGCATTCAGGGTCTCGGCA[C>A]TGCTGCTGCCATTCTCTGCTGGTAATTTCTTCTTGCCACCCAGCACTGAGCGAAAATCCG-3'
Protein context (NP_444253.3, residues 989-1009): KKLPAENGSS[Ser999Ile]AETLNAKAVE